The following is an entry in ClinVar:

NM_001084.5(PLOD3):c.1910G>T (p.Ser637Ile)

Gene: PLOD3 (procollagen-lysine,2-oxoglutarate 5-dioxygenase 3; minus strand). Cytogenetic location: 7q22.1.
Variant type: single nucleotide variant.
Coding change: c.1910G>T on transcript NM_001084.5 (MANE Select); coding-DNA position 1910, G replaced by T.
Protein change: p.Ser637Ile; replaces serine 637 with isoleucine.
Molecular consequence: missense variant.
Genome position (GRCh38, 1-based): chr7:101,207,603, C>A on the plus strand (G>T on the coding strand, the complement: PLOD3 is on the minus strand). VCF-style: chr7-101207603-C-A. GRCh37 (hg19) VCF-style: chr7-100850884-C-A.
Other names: short protein forms S637I.
Identifiers: ClinVar variation 1356172 (VCV001356172.5), dbSNP rs755547790, ClinGen allele CA4407476.

ClinVar aggregate classification (germline): Uncertain significance (1 of 4 stars; one submission).

gnomAD v4.1: 18 of 1,613,940 alleles (0.0011%); highest among the groups gnomAD compares: Admixed American, 0.023%; no homozygotes.

Submission:

Labcorp Genetics (formerly Invitae), Labcorp
Classification: Uncertain significance. Last evaluated: 2021-09-30. Review status: criteria provided, single submitter. Criteria: Invitae Variant Classification Sherloc (09022015). Collection method: clinical testing. Allele origin: germline.
Comment: This sequence change replaces serine with isoleucine at codon 637 of the PLOD3 protein (p.Ser637Ile). The serine residue is weakly conserved and there is a large physicochemical difference between serine and isoleucine. This variant is present in population databases (rs755547790, ExAC 0.03%). This variant has not been reported in the literature in individuals affected with PLOD3-related conditions. Algorithms developed to predict the effect of missense changes on protein structure and function (SIFT, PolyPhen-2, Align-GVGD) all suggest that this variant is likely to be tolerated. In summary, the available evidence is currently insufficient to determine the role of this variant in disease. Therefore, it has been classified as a Variant of Uncertain Significance.